The following is an entry in ClinVar:

NM_001042492.3(NF1):c.7881A>G (p.Val2627=)

Gene: NF1 (neurofibromin 1; plus strand). Cytogenetic location: 17q11.2.
Variant type: single nucleotide variant.
Coding change: c.7881A>G on transcript NM_001042492.3 (MANE Select); coding-DNA position 7881, A replaced by G.
Protein change: p.Val2627=; no amino-acid change (valine 2627 retained).
Molecular consequence: synonymous variant.
Genome position (GRCh38, 1-based): chr17:31,357,280, A>G. VCF-style: chr17-31357280-A-G. GRCh37 (hg19) VCF-style: chr17-29684298-A-G.
Other names: c.7818A>G, p.Val2606= (NM_000267.4).
Identifiers: ClinVar variation 484013 (VCV000484013.17), dbSNP rs756880349, ClinGen allele CA8487689.
Genomic context (GRCh38, chr17:31,357,280, plus strand): 5'-CAGCCACAAAGTAAAAATGTTGTGTGTTTACTTTTTTGCATCTTGGCAGGCTACACTGGT[A>G]AAATATACCACAGATGAGTTTGATCAACGAATTCTTTATGAATACTTAGCAGAGGCCAGT-3'
Protein context (NP_001035957.1, residues 2617-2637): ALLLTVLATL[Val2627=]KYTTDEFDQR

ClinVar aggregate classification (germline): Benign/Likely benign. Review status: criteria provided, multiple submitters, no conflicts (2 of 4 stars). 5 submissions from 5 submitters: Benign (1); Likely benign (4). Last evaluated 2026-05-22.

Conditions:
Hereditary cancer-predisposing syndrome. Also called: Hereditary neoplastic syndrome; Neoplastic Syndromes, Hereditary; Hereditary Cancer Syndrome; Tumor predisposition. Identifiers: Orphanet 140162, MedGen C0027672, MeSH D009386, MONDO:0015356.
Neurofibromatosis, type 1 (NF1). Also called: Peripheral type neurofibromatosis; Neurofibromatosis, type I; VON RECKLINGHAUSEN DISEASE; NEUROFIBROMATOSIS, TYPE I, SOMATIC. Identifiers: Orphanet 636, MedGen C0027831, MONDO:0018975, OMIM 162200. Disease mechanism: loss of function.

Allele frequency attached by ClinVar (database versions not stated): TOPMed below 0.00001; gnomAD exomes 0.00004 and 0.00001; ExAC 0.00005.
gnomAD v4.1: 8 of 1,613,496 alleles (0.0005%); highest among the groups gnomAD compares: Admixed American, 0.012%; no homozygotes.

Submissions (5):

Myriad Genetics, Inc.
Classification: Benign for Neurofibromatosis, type 1. Last evaluated: 2026-05-22. Review status: criteria provided, single submitter. Criteria: Myriad Autosomal Dominant, Autosomal Recessive and X-Linked Classification Criteria (2023). Collection method: clinical testing. Allele origin: unknown.
Comment: This variant is considered benign. This variant is a silent/synonymous amino acid change and it is not expected to impact splicing.

Labcorp Genetics (formerly Invitae), Labcorp
Classification: Likely benign for Neurofibromatosis, type 1. Last evaluated: 2025-09-20. Review status: criteria provided, single submitter. Criteria: Invitae Variant Classification Sherloc (09022015). Collection method: clinical testing. Allele origin: germline.

Genome-Nilou Lab
Classification: Likely benign for Neurofibromatosis, type 1. Last evaluated: 2022-03-15. Review status: criteria provided, single submitter. Criteria: ACMG Guidelines, 2015. Collection method: clinical testing. Allele origin: germline. Affected: no.

GeneDx
Classification: Likely benign. Last evaluated: 2021-04-14. Review status: criteria provided, single submitter. Criteria: GeneDx Variant Classification Process June 2021. Collection method: clinical testing. Allele origin: germline. Affected: yes.

Ambry Genetics
Classification: Likely benign for Hereditary cancer-predisposing syndrome. Last evaluated: 2015-12-31. Review status: criteria provided, single submitter. Criteria: Ambry Autosomal Dominant and X-Linked criteria (10/2015). Collection method: clinical testing. Allele origin: germline. Observed: 1 variant allele.
Comment: Synonymous alterations with insufficient evidence to classify as benign